The following is an entry in ClinVar:

ClinVar aggregate classification (germline): Uncertain significance. Review status: criteria provided, multiple submitters, no conflicts (2 of 4 stars). 2 submissions from 2 submitters: Uncertain significance (2). Last evaluated 2022-06-15.

Conditions:
Amyotrophic lateral sclerosis type 10 (ALS10). Also called: Amyotrophic lateral sclerosis 10, with or without FTD; TARDBP-Related Amyotrophic Lateral Sclerosis-Frontotemporal Dementia; AMYOTROPHIC LATERAL SCLEROSIS 10 WITHOUT FRONTOTEMPORAL DEMENTIA AND WITH TDP43 INCLUSIONS; AMYOTROPHIC LATERAL SCLEROSIS 10 WITH OR WITHOUT FRONTOTEMPORAL DEMENTIA AND WITH TDP43 INCLUSIONS; AMYOTROPHIC LATERAL SCLEROSIS 10 WITH OR WITHOUT FRONTOTEMPORAL DEMENTIA. Identifiers: Orphanet 275872, Orphanet 803, MedGen C2677565, MONDO:0012790, OMIM 612069.
FRONTOTEMPORAL LOBAR DEGENERATION WITH TDP43 INCLUSIONS, TARDBP-RELATED. Also called: Frontotemporal lobar degeneration, TARDBP-related. Identifiers: MedGen C3150169, OMIM 612069.

Submissions (2):

Labcorp Genetics (formerly Invitae), Labcorp
Classification: Uncertain significance for Amyotrophic lateral sclerosis type 10; FRONTOTEMPORAL LOBAR DEGENERATION WITH TDP43 INCLUSIONS, TARDBP-RELATED. Last evaluated: 2022-06-15. Review status: criteria provided, single submitter. Criteria: Invitae Variant Classification Sherloc (09022015). Collection method: clinical testing. Allele origin: germline.
Comment: In summary, the available evidence is currently insufficient to determine the role of this variant in disease. Therefore, it has been classified as a Variant of Uncertain Significance. Algorithms developed to predict the effect of missense changes on protein structure and function (SIFT, PolyPhen-2, Align-GVGD) all suggest that this variant is likely to be tolerated. ClinVar contains an entry for this variant (Variation ID: 1256195). This variant has not been reported in the literature in individuals affected with TARDBP-related conditions. This variant is not present in population databases (gnomAD no frequency). This sequence change replaces tyrosine, which is neutral and polar, with phenylalanine, which is neutral and non-polar, at codon 374 of the TARDBP protein (p.Tyr374Phe).

Athena Diagnostics
Classification: Uncertain significance. Last evaluated: 2021-02-22. Review status: criteria provided, single submitter. Criteria: Athena Diagnostics criteria. Collection method: clinical testing. Allele origin: unknown.

NM_007375.4(TARDBP):c.1121A>T (p.Tyr374Phe)

Gene: TARDBP (TAR DNA binding protein; plus strand). Cytogenetic location: 1p36.22.
Variant type: single nucleotide variant.
Coding change: c.1121A>T on transcript NM_007375.4 (MANE Select); coding-DNA position 1121, A replaced by T.
Protein change: p.Tyr374Phe; replaces tyrosine 374 with phenylalanine.
Molecular consequence: missense variant.
Genome position (GRCh38, 1-based): chr1:11,022,530, A>T. VCF-style: chr1-11022530-A-T. GRCh37 (hg19) VCF-style: chr1-11082587-A-T.
Other names: short protein forms Y374F.
Identifiers: ClinVar variation 1256195 (VCV001256195.6), dbSNP rs1643661597, ClinGen allele CA338368168.